The following is an entry in ClinVar:

ClinVar aggregate classification (germline): Uncertain significance. Review status: criteria provided, multiple submitters, no conflicts (2 of 4 stars). 2 submissions from 2 submitters: Uncertain significance (2). Last evaluated 2025-06-08.

Allele frequency attached by ClinVar (database versions not stated): gnomAD exomes below 0.00001; gnomAD 0.00001; 1000 Genomes Project 0.00020; 1000 Genomes Project 30x 0.00031.
gnomAD v4.1: 3 of 1,508,222 alleles (0.0002%); highest among the groups gnomAD compares: Non-Finnish European, 0.00027%; no homozygotes.

Submissions (2):

Ambry Genetics
Classification: Uncertain significance. Last evaluated: 2025-06-08. Review status: criteria provided, single submitter. Criteria: Ambry Variant Classification Scheme 2023. Collection method: clinical testing. Allele origin: germline.
Comment: The p.F322Y variant (also known as c.965T>A), located in coding exon 8 of the RNF43 gene, results from a T to A substitution at nucleotide position 965. The phenylalanine at codon 322 is replaced by tyrosine, an amino acid with highly similar properties. This amino acid position is conserved. In addition, this alteration is predicted to be tolerated by in silico analysis. Based on the available evidence, the clinical significance of this variant remains unclear.

Labcorp Genetics (formerly Invitae), Labcorp
Classification: Uncertain significance. Last evaluated: 2022-01-05. Review status: criteria provided, single submitter. Criteria: Invitae Variant Classification Sherloc (09022015). Collection method: clinical testing. Allele origin: germline.
Comment: In summary, the available evidence is currently insufficient to determine the role of this variant in disease. Therefore, it has been classified as a Variant of Uncertain Significance. Algorithms developed to predict the effect of missense changes on protein structure and function (SIFT, PolyPhen-2, Align-GVGD) all suggest that this variant is likely to be tolerated. This variant has not been reported in the literature in individuals affected with RNF43-related conditions. This variant is not present in population databases (gnomAD no frequency). This sequence change replaces phenylalanine, which is neutral and non-polar, with tyrosine, which is neutral and polar, at codon 322 of the RNF43 protein (p.Phe322Tyr).

NM_017763.6(RNF43):c.965T>A (p.Phe322Tyr)

Gene: RNF43 (ring finger protein 43; minus strand). Cytogenetic location: 17q22.
Variant type: single nucleotide variant.
Coding change: c.965T>A on transcript NM_017763.6 (MANE Select); coding-DNA position 965, T replaced by A.
Protein change: p.Phe322Tyr; replaces phenylalanine 322 with tyrosine.
Molecular consequence: missense variant.
Genome position (GRCh38, 1-based): chr17:58,358,811, A>T on the plus strand (T>A on the coding strand, the complement: RNF43 is on the minus strand). VCF-style: chr17-58358811-A-T. GRCh37 (hg19) VCF-style: chr17-56436172-A-T.
Other names: c.965T>A, p.Phe322Tyr (NM_001305544.3); c.584T>A, p.Phe195Tyr (NM_001305545.2); short protein forms F322Y, F195Y.
Identifiers: ClinVar variation 2075072 (VCV002075072.5), dbSNP rs141523145, ClinGen allele CA292012959.